The following is an entry in ClinVar:

ClinVar aggregate classification (germline): Uncertain significance (1 of 4 stars; one submission).

Conditions:
Cardiovascular phenotype. Identifiers: MedGen CN230736.

Submission:

Ambry Genetics
Classification: Uncertain significance for Cardiovascular phenotype. Last evaluated: 2026-07-26. Review status: criteria provided, single submitter. Criteria: Ambry Variant Classification Scheme 2023. Collection method: clinical testing. Allele origin: germline.
Comment: The p.K1729N variant (also known as c.5187G>T), located in coding exon 33 of the MYH6 gene, results from a G to T substitution at nucleotide position 5187. The lysine at codon 1729 is replaced by asparagine, an amino acid with similar properties. This amino acid position is conserved. In addition, the in silico prediction for this alteration is inconclusive. Based on the available evidence, the clinical significance of this variant remains unclear.

NM_002471.4(MYH6):c.5187G>T (p.Lys1729Asn)

Gene: MYH6 (myosin heavy chain 6; minus strand). Cytogenetic location: 14q11.2.
Variant type: single nucleotide variant.
Coding change: c.5187G>T on transcript NM_002471.4 (MANE Select); coding-DNA position 5187, G replaced by T.
Protein change: p.Lys1729Asn; replaces lysine 1729 with asparagine.
Molecular consequence: missense variant.
Genome position (GRCh38, 1-based): chr14:23,385,018, C>A on the plus strand (G>T on the coding strand, the complement: MYH6 is on the minus strand). VCF-style: chr14-23385018-C-A. GRCh37 (hg19) VCF-style: chr14-23854227-C-A.
Other names: short protein forms K1729N.
Identifiers: ClinVar variation 5025131 (VCV005025131.1).